The following is an entry in ClinVar:

ClinVar aggregate classification (germline): Pathogenic (1 of 4 stars; one submission).

Conditions:
Cardiovascular phenotype. Identifiers: MedGen CN230736.

Submission:

Ambry Genetics
Classification: Pathogenic for Cardiovascular phenotype. Last evaluated: 2016-01-15. Review status: criteria provided, single submitter. Criteria: Ambry Variant Classification Scheme 2023. Collection method: clinical testing. Allele origin: germline.
Comment: The c.3330+1G>A intronic pathogenic mutation results from a G to A substitution one nucleotide after coding exon 14 of the KCNH2 gene. Since alterations that disrupt the canonical splice donor site are typically deleterious in nature, this alteration is interpreted as a disease-causing mutation (ACMG Recommendations for Standards for Interpretation and Reporting of Sequence Variations. Revision 2007. Genet Med. 2008;10:294).

NM_000238.4(KCNH2):c.3330+1G>A

Gene: KCNH2 (potassium voltage-gated channel subfamily H member 2; minus strand). Cytogenetic location: 7q36.1.
Variant type: single nucleotide variant.
Coding change: c.3330+1G>A on transcript NM_000238.4 (MANE Select); the canonical splice donor site of the intron after coding-DNA position 3330, G replaced by A.
Molecular consequence: splice donor variant.
Genome position (GRCh38, 1-based): chr7:150,946,876, C>T on the plus strand (G>A on the coding strand, the complement: KCNH2 is on the minus strand). VCF-style: chr7-150946876-C-T. GRCh37 (hg19) VCF-style: chr7-150643964-C-T.
Other names: c.3042+1G>A (NM_001406753.1); c.2310+1G>A (NM_172057.3).
Identifiers: ClinVar variation 519217 (VCV000519217.5), dbSNP rs1368439403, ClinGen allele CA369851864.